The following is an entry in ClinVar:

NM_001853.4(COL9A3):c.686G>A (p.Gly229Asp)

Gene: COL9A3 (collagen type IX alpha 3 chain; plus strand). Cytogenetic location: 20q13.33.
Variant type: single nucleotide variant.
Coding change: c.686G>A on transcript NM_001853.4 (MANE Select); coding-DNA position 686, G replaced by A.
Protein change: p.Gly229Asp; replaces glycine 229 with aspartic acid.
Molecular consequence: missense variant.
Genome position (GRCh38, 1-based): chr20:62,826,205, G>A. VCF-style: chr20-62826205-G-A. GRCh37 (hg19) VCF-style: chr20-61457557-G-A.
Other names: short protein forms G229D.
Identifiers: ClinVar variation 3721642 (VCV003721642.2).

ClinVar aggregate classification (germline): Uncertain significance (1 of 4 stars; one submission).

Submission:

Labcorp Genetics (formerly Invitae), Labcorp
Classification: Uncertain significance. Last evaluated: 2024-09-27. Review status: criteria provided, single submitter. Criteria: Invitae Variant Classification Sherloc (09022015). Collection method: clinical testing. Allele origin: germline.
Comment: This sequence change replaces glycine, which is neutral and non-polar, with aspartic acid, which is acidic and polar, at codon 229 of the COL9A3 protein (p.Gly229Asp). This variant is not present in population databases (gnomAD no frequency). This variant has not been reported in the literature in individuals affected with COL9A3-related conditions. Experimental studies and prediction algorithms are not available or were not evaluated, and the functional significance of this variant is currently unknown. In summary, the available evidence is currently insufficient to determine the role of this variant in disease. Therefore, it has been classified as a Variant of Uncertain Significance.